The following is an entry in ClinVar:

NM_201596.3(CACNB2):c.622T>C (p.Leu208=)

Gene: CACNB2 (calcium voltage-gated channel auxiliary subunit beta 2; plus strand). Cytogenetic location: 10p12.31.
Variant type: single nucleotide variant.
Coding change: c.622T>C on transcript NM_201596.3 (MANE Select); coding-DNA position 622, T replaced by C.
Protein change: p.Leu208=; no amino-acid change (leucine 208 retained).
Molecular consequence: synonymous variant.
Genome position (GRCh38, 1-based): chr10:18,506,499, T>C. VCF-style: chr10-18506499-T-C. GRCh37 (hg19) VCF-style: chr10-18795428-T-C.
Other names: c.457T>C, p.Leu153= (NM_000724.4, NM_001330060.2); c.538T>C, p.Leu180= (NM_001167945.2, NM_201571.4, NM_201572.4); c.478T>C, p.Leu160= (NM_201570.3); c.460T>C, p.Leu154= (NM_201590.3); c.622T>C, p.Leu208= (NM_201593.3, NM_201597.3).
Identifiers: ClinVar variation 264257 (VCV000264257.18), dbSNP rs538160664, ClinGen allele CA5429678.

ClinVar aggregate classification (germline): Benign/Likely benign. Review status: criteria provided, multiple submitters, no conflicts (2 of 4 stars). 6 submissions from 6 submitters: Benign (3); Likely benign (3). Last evaluated 2026-02-03.

Conditions:
CACNB2-related disorder. Also called: CACNB2-related condition.
Cardiovascular phenotype. Identifiers: MedGen CN230736.
Brugada syndrome 4 (BRGDA4). Identifiers: Orphanet 130, MedGen C2678477, MONDO:0012743, OMIM 611876.

Allele frequency attached by ClinVar (database versions not stated): gnomAD below 0.00001 and 0.00015; gnomAD exomes 0.00029 and 0.00061; 1000 Genomes Project 30x 0.00062; ExAC 0.00068; 1000 Genomes Project 0.00080.
gnomAD v4.1: 449 of 1,612,170 alleles (0.028%); highest among the groups gnomAD compares: South Asian, 0.47%; 9 homozygotes.

Submissions (6):

PreventionGenetics, part of Exact Sciences
Classification: Likely benign for CACNB2-related condition. Last evaluated: 2026-02-03. Review status: criteria provided, single submitter. Criteria: ACMG Guidelines, 2015. Collection method: clinical testing. Allele origin: germline.
Comment: This variant is classified as likely benign based on ACMG/AMP sequence variant interpretation guidelines (Richards et al. 2015 PMID: 25741868, with internal and published modifications).

Labcorp Genetics (formerly Invitae), Labcorp
Classification: Benign for Brugada syndrome 4. Last evaluated: 2025-08-30. Review status: criteria provided, single submitter. Criteria: Invitae Variant Classification Sherloc (09022015). Collection method: clinical testing. Allele origin: germline.

GeneDx
Classification: Benign. Last evaluated: 2016-06-24. Review status: criteria provided, single submitter. Criteria: GeneDx Variant Classification (06012015). Collection method: clinical testing. Allele origin: germline. Affected: yes.
Comment: This variant is considered likely benign or benign based on one or more of the following criteria: it is a conservative change, it occurs at a poorly conserved position in the protein, it is predicted to be benign by multiple in silico algorithms, and/or has population frequency not consistent with disease.

Women's Health and Genetics/Laboratory Corporation of America, LabCorp
Classification: Benign. Last evaluated: 2016-06-08. Review status: criteria provided, single submitter. Criteria: LabCorp Variant Classification Summary - May 2015. Collection method: clinical testing. Allele origin: germline.
Comment: Variant summary: The CACNB2 c.460T>C (p.Leu154Leu) variant causes a synonymous change involving a non-conserved nucleotide with 5/5 splice prediction tools predicting no significant impact on splicing, although these predictions have yet to be functionally assessed.. This variant was observed in the large, broad control population, ExAC, with an allele frequency of 80/118066 (1 homozygote, 1/1475, frequency 0.0006776), which significantly exceeds the estimated maximal expected allele frequency for a pathogenic CACNB2 variant of 1/100000 (0.00001), suggesting this variant is likely a benign polymorphism. The variant of interest has not, to our knowledge, been reported in affected individuals via publications and/or reputable databases/clinical diagnostic laboratories. Taken together, this variant is classified as Benign.

Ambry Genetics
Classification: Likely benign for Cardiovascular phenotype. Last evaluated: 2015-08-17. Review status: criteria provided, single submitter. Criteria: Ambry Variant Classification Scheme 2023. Collection method: clinical testing. Allele origin: germline.

Breakthrough Genomics
Classification: Likely benign. Review status: criteria provided, single submitter. Criteria: ACMG Guidelines, 2015. Collection method: not provided. Allele origin: germline. Inheritance: Autosomal dominant inheritance. Affected: yes.